The following is an entry in ClinVar:

NM_001849.4(COL6A2):c.2097C>T (p.Gly699=)

Gene: COL6A2 (collagen type VI alpha 2 chain; plus strand). Cytogenetic location: 21q22.3.
Variant type: single nucleotide variant.
Coding change: c.2097C>T on transcript NM_001849.4 (MANE Select); coding-DNA position 2097, C replaced by T.
Protein change: p.Gly699=; no amino-acid change (glycine 699 retained).
Molecular consequence: synonymous variant.
Genome position (GRCh38, 1-based): chr21:46,125,912, C>T. VCF-style: chr21-46125912-C-T. GRCh37 (hg19) VCF-style: chr21-47545826-C-T.
Other names: p.Gly699=; c.2097C>T, p.Gly699= (NM_058174.3, NM_058175.3).
Identifiers: ClinVar variation 93931 (VCV000093931.35), dbSNP rs13046639, ClinGen allele CA147459.
Genomic context (GRCh38, chr21:46,125,912, plus strand): 5'-ACGTATCGACTCCCTGTCGAGCTTCAAGGAGGCTGTCAAGAACCTCGAGTGGATTGCGGG[C>T]GGCACCTGGACACCCTCAGCCCTCAAGTTTGCCTACGACCGCCTCATCAAGGAGAGCCGG-3'
Protein context (NP_001840.3, residues 689-709): EAVKNLEWIA[Gly699=]GTWTPSALKF

ClinVar aggregate classification (germline): Benign. Review status: criteria provided, multiple submitters, no conflicts (2 of 4 stars). 16 submissions from 14 submitters: Benign (13). 3 of the submissions do not count toward it. Last evaluated 2026-02-04.

Conditions:
Ullrich congenital muscular dystrophy 1A. Also called: Intermediate COL6-RD; Ullrich congenital muscular dystrophy 1. Identifiers: Orphanet 75840, MedGen C0410179, MONDO:0009681, OMIM 254090.
Bethlem myopathy 1A. Also called: Bethlem Muscular Dystrophy; MYOPATHY, BENIGN CONGENITAL, WITH CONTRACTURES; Bethlem myopathy 1. Identifiers: Orphanet 610, MedGen CN029274, MONDO:0024530, OMIM 158810.
Collagen 6-related myopathy. Identifiers: MedGen CN117976, MONDO:0100225.
Myosclerosis. Also called: MYOPATHY, MYOSCLEROTIC; MYOSCLEROSIS, CONGENITAL, OF LOWENTHAL; Myosclerosis, congenital. Identifiers: Orphanet 289380, MedGen C1850671, MONDO:0009714, OMIM 255600.

Allele frequency attached by ClinVar (database versions not stated): 1000 Genomes Project 30x 0.39022; 1000 Genomes Project 0.39397; ESP Exome Variant Server 0.41258; TOPMed 0.43560; gnomAD 0.44323 and 0.44460; ExAC 0.47551; gnomAD exomes 0.48772 and 0.49085.
gnomAD v4.1: 779,207 of 1,612,538 alleles (48%); highest among the groups gnomAD compares: Admixed American, 63%; 193,839 homozygotes.

Submissions (16):

Labcorp Genetics (formerly Invitae), Labcorp
Classification: Benign for Bethlem myopathy 1A. Last evaluated: 2026-02-04. Review status: criteria provided, single submitter. Criteria: Invitae Variant Classification Sherloc (09022015). Collection method: clinical testing. Allele origin: germline.

Blueprint Genetics
Classification: Benign. Last evaluated: 2024-11-28. Review status: criteria provided, single submitter. Criteria: ACMG Guidelines, 2015. Collection method: clinical testing. Allele origin: germline.

Genome-Nilou Lab
Classification: Benign for Myosclerosis. Last evaluated: 2021-07-30. Review status: criteria provided, single submitter. Criteria: ACMG Guidelines, 2015. Collection method: clinical testing. Allele origin: germline. Affected: no.

Genome-Nilou Lab
Classification: Benign for Bethlem myopathy 1A. Last evaluated: 2021-07-30. Review status: criteria provided, single submitter. Criteria: ACMG Guidelines, 2015. Collection method: clinical testing. Allele origin: germline. Affected: no.

Genome-Nilou Lab
Classification: Benign for Ullrich congenital muscular dystrophy 1A. Last evaluated: 2021-07-30. Review status: criteria provided, single submitter. Criteria: ACMG Guidelines, 2015. Collection method: clinical testing. Allele origin: germline. Affected: no.

Illumina Laboratory Services, Illumina
Classification: Benign for Collagen VI-related myopathy. Last evaluated: 2018-01-12. Review status: criteria provided, single submitter. Criteria: ICSL Variant Classification Criteria 13 December 2019. Collection method: clinical testing. Allele origin: germline.
Comment: This variant was observed in the ICSL laboratory as part of a predisposition screen in an ostensibly healthy population. It had not been previously curated by ICSL or reported in the Human Gene Mutation Database (HGMD: prior to June 1st, 2018), and was therefore a candidate for classification through an automated scoring system. Utilizing variant allele frequency, disease prevalence and penetrance estimates, and inheritance mode, an automated score was calculated to assess if this variant is too frequent to cause the disease. Based on the score and internal cut-off values, a variant classified as benign is not then subjected to further curation. The score for this variant resulted in a classification of benign for this disease.

Athena Diagnostics
Classification: Benign. Last evaluated: 2017-09-13. Review status: criteria provided, single submitter. Criteria: Athena Diagnostics Criteria. Collection method: clinical testing. Allele origin: germline.

Mayo Clinic Laboratories, Mayo Clinic
Classification: Benign. Last evaluated: 2017-07-19. Review status: criteria provided, single submitter. Criteria: ACMG Guidelines, 2015. Collection method: clinical testing. Allele origin: germline. Observed: 530 variant alleles.

GeneDx
Classification: Benign. Last evaluated: 2015-03-03. Review status: criteria provided, single submitter. Criteria: GeneDx Variant Classification Process June 2021. Collection method: clinical testing. Allele origin: germline. Affected: yes.

Genetic Services Laboratory, University of Chicago
Classification: Benign for AllHighlyPenetrant. Last evaluated: 2013-08-15. Review status: criteria provided, single submitter. Criteria: ACMG Guidelines, 2007. Collection method: clinical testing. Allele origin: germline.

Eurofins Ntd Llc (ga)
Classification: Benign. Last evaluated: 2012-07-31. Review status: criteria provided, single submitter. Criteria: EGL Classification Definitions 2015. Collection method: clinical testing. Allele origin: germline. Observed: 80 variant alleles, 52 heterozygotes, 28 homozygotes.

Breakthrough Genomics
Classification: Benign. Review status: criteria provided, single submitter. Criteria: ACMG Guidelines, 2015. Collection method: not provided. Allele origin: germline. Inheritance: Autosomal recessive inheritance. Affected: yes.

PreventionGenetics, part of Exact Sciences
Classification: Benign. Review status: criteria provided, single submitter. Criteria: ACMG Guidelines, 2015. Collection method: clinical testing. Allele origin: germline.

Clinical Genetics, Academic Medical Center
Classification: Benign. Review status: no assertion criteria provided. Collection method: clinical testing. Allele origin: germline. Affected: yes. Study: VKGL Data-share Consensus. Not counted in ClinVar's aggregate classification.

Diagnostic Laboratory, Department of Genetics, University Medical Center Groningen
Classification: Benign. Review status: no assertion criteria provided. Collection method: clinical testing. Allele origin: germline. Affected: yes. Study: VKGL Data-share Consensus. Not counted in ClinVar's aggregate classification.

Joint Genome Diagnostic Labs from Nijmegen and Maastricht, Radboudumc and MUMC+
Classification: Benign. Review status: no assertion criteria provided. Collection method: clinical testing. Allele origin: germline. Affected: yes. Study: VKGL Data-share Consensus. Not counted in ClinVar's aggregate classification.